The following is an entry in ClinVar:

NM_030631.4(SLC25A21):c.823A>G (p.Met275Val)

Gene: SLC25A21 (solute carrier family 25 member 21; minus strand). Cytogenetic location: 14q13.3.
Variant type: single nucleotide variant.
Coding change: c.823A>G on transcript NM_030631.4 (MANE Select); coding-DNA position 823, A replaced by G.
Protein change: p.Met275Val; replaces methionine 275 with valine.
Molecular consequence: missense variant.
Genome position (GRCh38, 1-based): chr14:36,683,843, T>C on the plus strand (A>G on the coding strand, the complement: SLC25A21 is on the minus strand). VCF-style: chr14-36683843-T-C. GRCh37 (hg19) VCF-style: chr14-37153048-T-C.
Other names: c.823A>G, p.Met275Val (NM_001171170.2); short protein forms M275V.
Identifiers: ClinVar variation 1460565 (VCV001460565.6), dbSNP rs755878996, ClinGen allele CA7159191.

ClinVar aggregate classification (germline): Uncertain significance (1 of 4 stars; one submission).

Allele frequency attached by ClinVar (database versions not stated): gnomAD exomes below 0.00001; ExAC 0.00001.
gnomAD v4.1: 1 of 1,605,440 alleles (0.000062%); highest among the groups gnomAD compares: Non-Finnish European, 0.000085%; no homozygotes.

Submission:

Labcorp Genetics (formerly Invitae), Labcorp
Classification: Uncertain significance. Last evaluated: 2021-11-10. Review status: criteria provided, single submitter. Criteria: Invitae Variant Classification Sherloc (09022015). Collection method: clinical testing. Allele origin: germline.
Comment: This variant has not been reported in the literature in individuals affected with SLC25A21-related conditions. The frequency data for this variant in the population databases is considered unreliable, as metrics indicate poor data quality at this position in the gnomAD database. This sequence change replaces methionine, which is neutral and non-polar, with valine, which is neutral and non-polar, at codon 275 of the SLC25A21 protein (p.Met275Val). Algorithms developed to predict the effect of missense changes on protein structure and function are either unavailable or do not agree on the potential impact of this missense change (SIFT: "Deleterious"; PolyPhen-2: "Possibly Damaging"; Align-GVGD: "Class C0"). Algorithms developed to predict the effect of sequence changes on RNA splicing suggest that this variant may create or strengthen a splice site. In summary, the available evidence is currently insufficient to determine the role of this variant in disease. Therefore, it has been classified as a Variant of Uncertain Significance.